The following is an entry in ClinVar:

NM_001042492.3(NF1):c.6798G>T (p.Gln2266His)

Gene: NF1 (neurofibromin 1; plus strand). Cytogenetic location: 17q11.2.
Variant type: single nucleotide variant.
Coding change: c.6798G>T on transcript NM_001042492.3 (MANE Select); coding-DNA position 6798, G replaced by T.
Protein change: p.Gln2266His; replaces glutamine 2266 with histidine.
Molecular consequence: missense variant.
Genome position (GRCh38, 1-based): chr17:31,338,118, G>T. VCF-style: chr17-31338118-G-T. GRCh37 (hg19) VCF-style: chr17-29665136-G-T.
Other names: c.6735G>T, p.Gln2245His (NM_000267.4); short protein forms Q2266H, Q2245H.
Identifiers: ClinVar variation 2695539 (VCV002695539.3), dbSNP rs2151558337, ClinGen allele CA399014180.
Genomic context (GRCh38, chr17:31,338,118, plus strand): 5'-AAGAGCTCTTGTTGTCTTTGGGTGTATTAGCAAACGAGTGTCTCATGGGCAGATAAAGCA[G>T]ATAATCCGTATTCTTAGCAAGGTACCTGTTCCGCCCTCACTTCTCCCAAATATTTATGGT-3'
Protein context (NP_001035957.1, residues 2256-2276): SKRVSHGQIK[Gln2266His]IIRILSKALE

ClinVar aggregate classification (germline): Uncertain significance (1 of 4 stars; one submission).

Conditions:
Neurofibromatosis, type 1 (NF1). Also called: Peripheral type neurofibromatosis; VON RECKLINGHAUSEN DISEASE; Neurofibromatosis, type I; NEUROFIBROMATOSIS, TYPE I, SOMATIC. Identifiers: Orphanet 636, MedGen C0027831, MONDO:0018975, OMIM 162200. Disease mechanism: loss of function.

Submission:

Labcorp Genetics (formerly Invitae), Labcorp
Classification: Uncertain significance for Neurofibromatosis, type 1. Last evaluated: 2023-11-13. Review status: criteria provided, single submitter. Criteria: Invitae Variant Classification Sherloc (09022015). Collection method: clinical testing. Allele origin: germline.
Comment: This sequence change replaces glutamine, which is neutral and polar, with histidine, which is basic and polar, at codon 2245 of the NF1 protein (p.Gln2245His). This variant is not present in population databases (gnomAD no frequency). This variant has not been reported in the literature in individuals affected with NF1-related conditions. Advanced modeling of protein sequence and biophysical properties (such as structural, functional, and spatial information, amino acid conservation, physicochemical variation, residue mobility, and thermodynamic stability) has been performed at Invitae for this missense variant, however the output from this modeling did not meet the statistical confidence thresholds required to predict the impact of this variant on NF1 protein function. Algorithms developed to predict the effect of sequence changes on RNA splicing suggest that this variant may disrupt the consensus splice site. In summary, the available evidence is currently insufficient to determine the role of this variant in disease. Therefore, it has been classified as a Variant of Uncertain Significance.